The following is an entry in ClinVar:

ClinVar aggregate classification (germline): Uncertain significance (1 of 4 stars; one submission).

Allele frequency attached by ClinVar (database versions not stated): 1000 Genomes Project 30x 0.00016; 1000 Genomes Project 0.00020.

Submission:

Labcorp Genetics (formerly Invitae), Labcorp
Classification: Uncertain significance. Last evaluated: 2022-03-23. Review status: criteria provided, single submitter. Criteria: Invitae Variant Classification Sherloc (09022015). Collection method: clinical testing. Allele origin: germline.
Comment: This variant has not been reported in the literature in individuals affected with ANK3-related conditions. In summary, the available evidence is currently insufficient to determine the role of this variant in disease. Therefore, it has been classified as a Variant of Uncertain Significance. Algorithms developed to predict the effect of missense changes on protein structure and function are either unavailable or do not agree on the potential impact of this missense change (SIFT: "Not Available"; PolyPhen-2: "Probably Damaging"; Align-GVGD: "Not Available"). The frequency data for this variant in the population databases is considered unreliable, as metrics indicate poor data quality at this position in the gnomAD database. This sequence change replaces proline, which is neutral and non-polar, with histidine, which is basic and polar, at codon 789 of the ANK3 protein (p.Pro789His).

NM_020987.5(ANK3):c.2366C>A (p.Pro789His)

Gene: ANK3 (ankyrin 3; minus strand). Cytogenetic location: 10q21.2.
Variant type: single nucleotide variant.
Coding change: c.2366C>A on transcript NM_020987.5 (MANE Select); coding-DNA position 2366, C replaced by A.
Protein change: p.Pro789His; replaces proline 789 with histidine.
Molecular consequence: missense variant.
Genome position (GRCh38, 1-based): chr10:60,172,916, G>T on the plus strand (C>A on the coding strand, the complement: ANK3 is on the minus strand). VCF-style: chr10-60172916-G-T. GRCh37 (hg19) VCF-style: chr10-61932674-G-T.
Other names: c.2348C>A, p.Pro783His (NM_001204403.2); c.2315C>A, p.Pro772His (NM_001204404.2); c.2366C>A, p.Pro789His (NM_001320874.2); short protein forms P772H, P789H, P783H.
Identifiers: ClinVar variation 2116191 (VCV002116191.4), dbSNP rs191792213, ClinGen allele CA5512845.
Genomic context (GRCh38, chr10:60,172,916, plus strand): 5'-ATCTATCTCCTCCCTCTTCTCCTGAGCTGGCCCTGAGCGCTTACCACAGTGAGTTCATTG[G>T]GGGAGGCGTTGTTCTGAAGTAAGACATTTATTATATGCGTATGCCCCTGCTGTGCTGCTT-3'
Protein context (NP_066267.2, residues 779-799): INVLLQNNAS[Pro789His]NELTVNGNTA